The following is an entry in ClinVar:

NM_000817.3(GAD1):c.249C>A (p.Asp83Glu)

Gene: GAD1 (glutamate decarboxylase 1; plus strand). Cytogenetic location: 2q31.1.
Variant type: single nucleotide variant.
Coding change: c.249C>A on transcript NM_000817.3 (MANE Select); coding-DNA position 249, C replaced by A.
Protein change: p.Asp83Glu; replaces aspartic acid 83 with glutamic acid.
Molecular consequence: missense variant.
Genome position (GRCh38, 1-based): chr2:170,829,578, C>A. VCF-style: chr2-170829578-C-A. GRCh37 (hg19) VCF-style: chr2-171686088-C-A.
Other names: c.249C>A (NM_000817.2); c.249C>A, p.Asp83Glu (NM_013445.4); short protein forms D83E.
Identifiers: ClinVar variation 1429193 (VCV001429193.5), dbSNP rs201750984, ClinGen allele CA1962563.

ClinVar aggregate classification (germline): Uncertain significance. Review status: criteria provided, multiple submitters, no conflicts (2 of 4 stars). 2 submissions from 2 submitters: Uncertain significance (2). Last evaluated 2024-10-29.

Conditions:
Neurodevelopmental disorder with progressive spasticity and brain white matter abnormalities. Also called: CEREBRAL PALSY, SPASTIC QUADRIPLEGIC, 1. Identifiers: Orphanet 210141, Orphanet 641353, MedGen C5436628, MONDO:0033613, OMIM 619026.
Inborn genetic diseases. Identifiers: MedGen C0950123, MeSH D030342.

Allele frequency attached by ClinVar (database versions not stated): TOPMed 0.00009; gnomAD 0.00010; gnomAD exomes 0.00014.
gnomAD v4.1: 217 of 1,613,782 alleles (0.013%); highest among the groups gnomAD compares: Non-Finnish European, 0.017%; no homozygotes.

Submissions (2):

Labcorp Genetics (formerly Invitae), Labcorp
Classification: Uncertain significance for Neurodevelopmental disorder with progressive spasticity and brain white matter abnormalities. Last evaluated: 2024-10-29. Review status: criteria provided, single submitter. Criteria: Invitae Variant Classification Sherloc (09022015). Collection method: clinical testing. Allele origin: germline.
Comment: This sequence change replaces aspartic acid, which is acidic and polar, with glutamic acid, which is acidic and polar, at codon 83 of the GAD1 protein (p.Asp83Glu). This variant is present in population databases (rs201750984, gnomAD 0.01%). This variant has not been reported in the literature in individuals affected with GAD1-related conditions. ClinVar contains an entry for this variant (Variation ID: 1429193). An algorithm developed to predict the effect of missense changes on protein structure and function outputs the following: PolyPhen-2: "Benign". The glutamic acid amino acid residue is found in multiple mammalian species, which suggests that this missense change does not adversely affect protein function. In summary, the available evidence is currently insufficient to determine the role of this variant in disease. Therefore, it has been classified as a Variant of Uncertain Significance.

Ambry Genetics
Classification: Uncertain significance for Inborn genetic diseases. Last evaluated: 2024-01-22. Review status: criteria provided, single submitter. Criteria: Ambry Variant Classification Scheme 2023. Collection method: clinical testing. Allele origin: germline.